The following is an entry in ClinVar:

ClinVar aggregate classification (germline): Likely pathogenic (1 of 4 stars; one submission).

Conditions:
PMM2-congenital disorder of glycosylation. Also called: CDG Ia; CARBOHYDRATE-DEFICIENT GLYCOPROTEIN SYNDROME, TYPE Ia; JAEKEN SYNDROME; PMM2-CDG; Congenital disorder of glycosylation, type Ia; PHOSPHOMANNOMUTASE 2 DEFICIENCY. Identifiers: Orphanet 79318, MedGen C0349653, MONDO:0008907, OMIM 212065.

Submission:

Myriad Genetics, Inc.
Classification: Likely pathogenic for PMM2-congenital disorder of glycosylation. Last evaluated: 2026-08-03. Review status: criteria provided, single submitter. Criteria: Myriad Autosomal Dominant, Autosomal Recessive and X-Linked Classification Criteria (2023). Collection method: clinical testing. Allele origin: unknown.
Comment: NM_000303.2(PMM2):c.447+1G>C is a variant in a canonical splice site classified as likely pathogenic in the context of congenital disorder of glycosylation, PMM2-related. c.447+1G>C has not been observed in cases with relevant disease. Relevant functional assessments of this variant are not available in the literature. c.447+1G>C has not been observed in referenced population frequency databases. In summary, NM_000303.2(PMM2):c.447+1G>C is a variant in a canonical splice site in a gene where loss of function is a known mechanism of disease and is predicted to disrupt protein function. Please note: this variant was assessed in the context of healthy population screening.

NM_000303.3(PMM2):c.447+1G>C

Gene: PMM2 (phosphomannomutase 2; plus strand). Cytogenetic location: 16p13.2.
Variant type: single nucleotide variant.
Coding change: c.447+1G>C on transcript NM_000303.3 (MANE Select); the canonical splice donor site of the intron after coding-DNA position 447, G replaced by C.
Molecular consequence: splice donor variant.
Genome position (GRCh38, 1-based): chr16:8,811,179, G>C. VCF-style: chr16-8811179-G-C. GRCh37 (hg19) VCF-style: chr16-8905036-G-C.
Identifiers: ClinVar variation 5004824 (VCV005004824.1).
Genomic context (GRCh38, chr16:8,811,179, plus strand): 5'-TCCCCTATTGGAAGAAGCTGCAGCCAAGAAGAACGCATTGAGTTCTACGAACTCGATAAA[G>C]TACGTCTTTCTGAAATATCTTTGGTGAATGGCTGGGTTTATGGAAATAAGATATGGCCTG-3'